The following is an entry in ClinVar:

NM_003470.3(USP7):c.807T>C (p.His269=)

Gene: USP7 (ubiquitin specific peptidase 7; minus strand). Cytogenetic location: 16p13.2.
Variant type: single nucleotide variant.
Coding change: c.807T>C on transcript NM_003470.3 (MANE Select); coding-DNA position 807, T replaced by C.
Protein change: p.His269=; no amino-acid change (histidine 269 retained).
Molecular consequence: synonymous variant. On other transcripts: non-coding transcript variant (1).
Genome position (GRCh38, 1-based): chr16:8,917,070, A>G on the plus strand (T>C on the coding strand, the complement: USP7 is on the minus strand). VCF-style: chr16-8917070-A-G. GRCh37 (hg19) VCF-style: chr16-9010927-A-G.
Other names: c.759T>C, p.His253= (NM_001286457.2); c.510T>C, p.His170= (NM_001286458.2); c.633T>C, p.His211= (NM_001321858.2).
Identifiers: ClinVar variation 1298654 (VCV001298654.40), dbSNP rs139232336, ClinGen allele CA7895603.

ClinVar aggregate classification (germline): Benign/Likely benign. Review status: criteria provided, multiple submitters, no conflicts (2 of 4 stars). 3 submissions from 3 submitters: Benign (1); Likely benign (2). Last evaluated 2026-09-01.

Allele frequency attached by ClinVar (database versions not stated): 1000 Genomes Project 0.00060; 1000 Genomes Project 30x 0.00078; TOPMed 0.00138; gnomAD 0.00151 and 0.00153; ExAC 0.00166; gnomAD exomes 0.00170 and 0.00231; ESP Exome Variant Server 0.00177.
gnomAD v4.1: 3,564 of 1,613,054 alleles (0.22%); highest among the groups gnomAD compares: Non-Finnish European, 0.27%; 7 homozygotes.

Submissions (3):

CeGaT Center for Human Genetics Tuebingen
Classification: Likely benign. Last evaluated: 2026-09-01. Review status: criteria provided, single submitter. Criteria: CeGaT Center For Human Genetics Tuebingen Variant Classification Criteria Version 2. Collection method: clinical testing. Allele origin: germline. Affected: yes. Observed: 8 variant alleles.
Comment: USP7: BP4, BP7, BS1

Labcorp Genetics (formerly Invitae), Labcorp
Classification: Benign. Last evaluated: 2026-01-05. Review status: criteria provided, single submitter. Criteria: Invitae Variant Classification Sherloc (09022015). Collection method: clinical testing. Allele origin: germline.

Blueprint Genetics
Classification: Likely benign. Last evaluated: 2024-11-21. Review status: criteria provided, single submitter. Criteria: ACMG Guidelines, 2015. Collection method: clinical testing. Allele origin: germline.